The following is an entry in ClinVar:

NM_000384.3(APOB):c.3733C>G (p.Leu1245Val)

Gene: APOB (apolipoprotein B; minus strand). Cytogenetic location: 2p24.1.
Variant type: single nucleotide variant.
Coding change: c.3733C>G on transcript NM_000384.3 (MANE Select); coding-DNA position 3733, C replaced by G.
Protein change: p.Leu1245Val; replaces leucine 1245 with valine.
Molecular consequence: missense variant.
Genome position (GRCh38, 1-based): chr2:21,014,557, G>C on the plus strand (C>G on the coding strand, the complement: APOB is on the minus strand). VCF-style: chr2-21014557-G-C. GRCh37 (hg19) VCF-style: chr2-21237429-G-C.
Other names: short protein forms L1245V.
Identifiers: ClinVar variation 1050041 (VCV001050041.1), dbSNP rs2103362015, ClinGen allele CA346008412.
Genomic context (GRCh38, chr2:21,014,557, plus strand): 5'-TCTGGAGGTTGAACTCCTTCAGGCTATTGAGGTGGTCTTGCAAAGTCTGGGTATAAGGAA[G>C]ACTCCCAGATGCCTTCTGAAGCCATGAGCTCATTGCCTACAAAATGACAGGAGATTTTTA-3'
Protein context (NP_000375.3, residues 1235-1255): SSWLQKASGS[Leu1245Val]PYTQTLQDHL

ClinVar aggregate classification (germline): Uncertain significance (0 of 4 stars; one submission).

Submission:

Department of Pathology and Laboratory Medicine, Sinai Health System
Classification: Uncertain significance. Review status: no assertion criteria provided. Collection method: clinical testing. Allele origin: unknown. Affected: yes. Study: The Canadian Open Genetics Repository (COGR).
Comment: The APOB p.Leu1245Val variant was not identified in the literature nor was it identified in dbSNP, ClinVar, LOVD 3.0 or in the following control databases: the 1000 Genomes Project, the NHLBI GO Exome Sequencing Project, the Exome Aggregation Consortium (August 8th 2016), or the Genome Aggregation Database (March 6, 2019, v2.1.1). The p.Leu1245 residue is conserved in mammals but not in more distantly related organisms, however computational analyses (PolyPhen-2, SIFT, AlignGVGD, BLOSUM, MutationTaster) do not suggest a high likelihood of impact to the protein; this information is not predictive enough to rule out pathogenicity. The variant occurs outside of the splicing consensus sequence and four of four in silico or computational prediction software programs (SpliceSiteFinder, MaxEntScan, NNSPLICE, GeneSplicer) do not predict a difference in splicing. In summary, based on the above information the clinical significance of this variant cannot be determined with certainty at this time. This variant is classified as a variant of uncertain significance.